The following is an entry in ClinVar:

ClinVar aggregate classification (germline): Uncertain significance. Review status: criteria provided, multiple submitters, no conflicts (2 of 4 stars). 2 submissions from 2 submitters: Uncertain significance (2). Last evaluated 2025-08-22.

Conditions:
Ataxia-telangiectasia syndrome (AT). Also called: Ataxia-telangiectasia, complementation group D; AT, COMPLEMENTATION GROUP C; Cerebello-oculocutaneous telangiectasia; Immunodeficiency with ataxia telangiectasia; Ataxia-telangiectasia, complementation group E; Ataxia telangiectasia (A-T). Identifiers: Orphanet 100, MedGen C0004135, MONDO:0008840, OMIM 208900.
Hereditary cancer-predisposing syndrome. Also called: Hereditary neoplastic syndrome; Tumor predisposition; Neoplastic Syndromes, Hereditary; Hereditary Cancer Syndrome. Identifiers: Orphanet 140162, MedGen C0027672, MeSH D009386, MONDO:0015356.

Submissions (2):

Labcorp Genetics (formerly Invitae), Labcorp
Classification: Uncertain significance for Ataxia-telangiectasia syndrome. Last evaluated: 2025-08-22. Review status: criteria provided, single submitter. Criteria: Invitae Variant Classification Sherloc (09022015). Collection method: clinical testing. Allele origin: germline.
Comment: This sequence change replaces threonine, which is neutral and polar, with serine, which is neutral and polar, at codon 528 of the ATM protein (p.Thr528Ser). This variant is not present in population databases (gnomAD no frequency). This variant has not been reported in the literature in individuals affected with ATM-related conditions. ClinVar contains an entry for this variant (Variation ID: 2453965). Invitae Evidence Modeling of protein sequence and biophysical properties (such as structural, functional, and spatial information, amino acid conservation, physicochemical variation, residue mobility, and thermodynamic stability) indicates that this missense variant is not expected to disrupt ATM protein function with a negative predictive value of 95%. In summary, the available evidence is currently insufficient to determine the role of this variant in disease. Therefore, it has been classified as a Variant of Uncertain Significance.

Ambry Genetics
Classification: Uncertain significance for Hereditary cancer-predisposing syndrome. Last evaluated: 2023-01-19. Review status: criteria provided, single submitter. Criteria: Ambry Variant Classification Scheme 2023. Collection method: clinical testing. Allele origin: germline.
Comment: The p.T528S variant (also known as c.1583C>G), located in coding exon 9 of the ATM gene, results from a C to G substitution at nucleotide position 1583. The threonine at codon 528 is replaced by serine, an amino acid with similar properties. This amino acid position is conserved. In addition, this alteration is predicted to be tolerated by in silico analysis. Since supporting evidence is limited at this time, the clinical significance of this alteration remains unclear.

NM_000051.4(ATM):c.1583C>G (p.Thr528Ser)

Gene: ATM (ATM serine/threonine kinase; plus strand). Cytogenetic location: 11q22.3.
Variant type: single nucleotide variant.
Coding change: c.1583C>G on transcript NM_000051.4 (MANE Select); coding-DNA position 1583, C replaced by G.
Protein change: p.Thr528Ser; replaces threonine 528 with serine.
Molecular consequence: missense variant.
Genome position (GRCh38, 1-based): chr11:108,251,048, C>G. VCF-style: chr11-108251048-C-G. GRCh37 (hg19) VCF-style: chr11-108121775-C-G.
Other names: c.1583C>G, p.Thr528Ser (NM_001351834.2); short protein forms T528S.
Identifiers: ClinVar variation 2453965 (VCV002453965.5), dbSNP rs2135327692, ClinGen allele CA382534410.